The following is an entry in ClinVar:

ClinVar aggregate classification (germline): Conflicting classifications of pathogenicity. Review status: criteria provided, conflicting classifications (1 of 4 stars). 6 submissions from 6 submitters: Uncertain significance (2); Likely benign (4). Last evaluated 2025-03-04.

Conditions:
Hereditary cancer-predisposing syndrome. Also called: Neoplastic Syndromes, Hereditary; Tumor predisposition; Hereditary Cancer Syndrome; Hereditary neoplastic syndrome. Identifiers: Orphanet 140162, MedGen C0027672, MeSH D009386, MONDO:0015356.
Peutz-Jeghers syndrome (PJS). Also called: Peutz-Jeghers polyposis; Periorificial lentiginosis syndrome; POLYPOSIS, HAMARTOMATOUS INTESTINAL; POLYPS-AND-SPOTS SYNDROME. Identifiers: Orphanet 2869, MedGen C0031269, MeSH D010580, MONDO:0008280, OMIM 175200.

Submissions (6):

Center for Genomic Medicine, Rigshospitalet, Copenhagen University Hospital
Classification: Likely benign. Last evaluated: 2025-03-04. Review status: criteria provided, single submitter. Criteria: ACMG Guidelines, 2015. Collection method: clinical testing. Allele origin: germline.

Quest Diagnostics Nichols Institute San Juan Capistrano
Classification: Uncertain significance. Last evaluated: 2025-02-11. Review status: criteria provided, single submitter. Criteria: Quest Diagnostics criteria. Collection method: clinical testing. Allele origin: unknown.
Comment: The STK11 c.-7del variant has not been reported in individuals with STK11-related conditions in the published literature. It also has not been reported in large, multi-ethnic general populations (Genome Aggregation Database). Based on the available information, we are unable to determine the clinical significance of this variant.

Blueprint Genetics
Classification: Likely benign. Last evaluated: 2023-07-14. Review status: criteria provided, single submitter. Criteria: ACMG Guidelines, 2015. Collection method: clinical testing. Allele origin: germline.

St. Jude Molecular Pathology, St. Jude Children's Research Hospital
Classification: Uncertain significance for Peutz-Jeghers syndrome. Last evaluated: 2021-09-29. Review status: criteria provided, single submitter. Criteria: St. Jude Assertion Criteria 2020. Collection method: clinical testing. Allele origin: germline.
Comment: The STK11 c.-7del change deletes one nucleotide located 7 base pairs upstream of the ATG transcriptional start site in the 5’UTR of the STK11 gene. This deletion is not expected to create a new start codon and disrupt transcription, however the effect of this variant on protein function has not been confirmed by functional assays. This variant is absent in gnomAD v2.1.1 (PM2_Supporting) and is not reported in a database of women older than 70 years of age who have never had cancer (FLOSSIES database). To our knowledge, this variant has not been reported in individuals with Peutz-Jeghers syndrome. In summary, this variant meets criteria to be classified as of uncertain significance based on the ACMG/AMP criteria: PM2_Supporting.

Color Diagnostics, LLC DBA Color Health
Classification: Likely benign for Hereditary cancer-predisposing syndrome. Last evaluated: 2017-06-21. Review status: criteria provided, single submitter. Criteria: ACMG Guidelines, 2015. Collection method: clinical testing. Allele origin: germline.

GeneDx
Classification: Likely benign. Last evaluated: 2016-09-12. Review status: criteria provided, single submitter. Criteria: GeneDx Variant Classification (06012015). Collection method: clinical testing. Allele origin: germline. Affected: yes.
Comment: This variant is considered likely benign or benign based on one or more of the following criteria: it is a conservative change, it occurs at a poorly conserved position in the protein, it is predicted to be benign by multiple in silico algorithms, and/or has population frequency not consistent with disease.

NM_000455.5(STK11):c.-7del

Gene: STK11 (serine/threonine kinase 11; plus strand). Cytogenetic location: 19p13.3.
Variant type: Deletion.
Coding change: c.-7del on transcript NM_000455.5 (MANE Select); 7 bases upstream of the start codon, one base deleted (G; older notation c.-7delG).
Molecular consequence: 5 prime UTR variant.
Genome position (GRCh38, 1-based): chr19:1,206,907, G deleted; the last of 3 consecutive G bases (chr19:1,206,905-1,206,907); deleting any one gives the same sequence. VCF-style (leftmost placement, unchanged base first): chr19-1206904-TG-T. GRCh37 (hg19) VCF-style: chr19-1206903-TG-T.
Other names: c.-7delG (NM_000455.5, NM_000455.4).
Identifiers: ClinVar variation 422225 (VCV000422225.9), dbSNP rs1064795642, ClinGen allele CA16620742.